The following is an entry in ClinVar:

ClinVar aggregate classification (germline): Uncertain significance. Review status: criteria provided, multiple submitters, no conflicts (2 of 4 stars). 3 submissions from 3 submitters: Uncertain significance (2). 1 of the submissions does not count toward it. Last evaluated 2022-05-15.

Conditions:
PCNT-related disorder. Also called: PCNT-related condition.

Allele frequency attached by ClinVar (database versions not stated): ExAC 0.00002; gnomAD exomes 0.00002 and 0.00003.
gnomAD v4.1: 40 of 1,613,854 alleles (0.0025%); highest among the groups gnomAD compares: Non-Finnish European, 0.0031%; no homozygotes.

Submissions (3):

Labcorp Genetics (formerly Invitae), Labcorp
Classification: Uncertain significance. Last evaluated: 2022-05-15. Review status: criteria provided, single submitter. Criteria: Invitae Variant Classification Sherloc (09022015). Collection method: clinical testing. Allele origin: germline.
Comment: This sequence change replaces arginine, which is basic and polar, with histidine, which is basic and polar, at codon 592 of the PCNT protein (p.Arg592His). This variant is present in population databases (rs754798472, gnomAD 0.01%). This variant has not been reported in the literature in individuals affected with PCNT-related conditions. ClinVar contains an entry for this variant (Variation ID: 1337378). Algorithms developed to predict the effect of missense changes on protein structure and function output the following: SIFT: "Tolerated"; PolyPhen-2: "Benign"; Align-GVGD: "Class C0". The histidine amino acid residue is found in multiple mammalian species, which suggests that this missense change does not adversely affect protein function. In summary, the available evidence is currently insufficient to determine the role of this variant in disease. Therefore, it has been classified as a Variant of Uncertain Significance.

Genetic Services Laboratory, University of Chicago
Classification: Uncertain significance. Last evaluated: 2019-09-17. Review status: criteria provided, single submitter. Criteria: ACMG Guidelines, 2015. Collection method: clinical testing. Allele origin: germline. Affected: no.

PreventionGenetics, part of Exact Sciences
Classification: Uncertain significance for PCNT-related condition. Last evaluated: 2024-02-01. Review status: no assertion criteria provided. Collection method: clinical testing. Allele origin: germline. Not counted in ClinVar's aggregate classification.
Comment: The PCNT c.1775G>A variant is predicted to result in the amino acid substitution p.Arg592His. To our knowledge, this variant has not been reported in the literature. This variant is reported in 0.0099% of alleles in individuals of Ashkenazi Jewish descent in gnomAD. At this time, the clinical significance of this variant is uncertain due to the absence of conclusive functional and genetic evidence.

NM_006031.6(PCNT):c.1775G>A (p.Arg592His)

Gene: PCNT (pericentrin; plus strand). Cytogenetic location: 21q22.3.
Variant type: single nucleotide variant.
Coding change: c.1775G>A on transcript NM_006031.6 (MANE Select); coding-DNA position 1775, G replaced by A.
Protein change: p.Arg592His; replaces arginine 592 with histidine.
Molecular consequence: missense variant.
Genome position (GRCh38, 1-based): chr21:46,355,465, G>A. VCF-style: chr21-46355465-G-A. GRCh37 (hg19) VCF-style: chr21-47775380-G-A.
Other names: c.1421G>A, p.Arg474His (NM_001315529.2); short protein forms R474H, R592H.
Identifiers: ClinVar variation 1337378 (VCV001337378.7), dbSNP rs754798472, ClinGen allele CA10078766.